The following is an entry in ClinVar:

NM_020297.4(ABCC9):c.2050G>A (p.Gly684Ser)

Gene: ABCC9 (ATP binding cassette subfamily C member 9; minus strand). Cytogenetic location: 12p12.1.
Variant type: single nucleotide variant.
Coding change: c.2050G>A on transcript NM_020297.4 (MANE Select); coding-DNA position 2050, G replaced by A.
Protein change: p.Gly684Ser; replaces glycine 684 with serine.
Molecular consequence: missense variant.
Genome position (GRCh38, 1-based): chr12:21,875,696, C>T on the plus strand (G>A on the coding strand, the complement: ABCC9 is on the minus strand). VCF-style: chr12-21875696-C-T. GRCh37 (hg19) VCF-style: chr12-22028630-C-T.
Other names: c.2050G>A, p.Gly684Ser (NM_001377273.1, NM_005691.4); c.1186G>A, p.Gly396Ser (NM_001377274.1); c.2050G>A (NM_020297.3); short protein forms G684S, G396S.
Identifiers: ClinVar variation 45397 (VCV000045397.51), dbSNP rs148174226, ClinGen allele CA136245.
Genomic context (GRCh38, chr12:21,875,696, plus strand): 5'-ATAACAGATAACTCTTACCTGTTGGAATTCGAATATCTATATTGGATAATGTAGCTAAAC[C>T]ACTGCCCCATGAAAAGTATCCATTTGTGACCTACAAAATAAAAATACAGAAATTAAATTA-3'
Protein context (NP_064693.2, residues 674-694): VTNGYFSWGS[Gly684Ser]LATLSNIDIR

ClinVar aggregate classification (germline): Conflicting classifications of pathogenicity. Review status: criteria provided, conflicting classifications (1 of 4 stars). 19 submissions from 18 submitters: Uncertain significance (2); Benign (1); Likely benign (11). 5 of the submissions do not count toward it. Last evaluated 2026-05-01.

Conditions:
ABCC9-related disorder. Also called: ABCC9-related condition; ABCC9-related disorders.
Cardiovascular phenotype. Identifiers: MedGen CN230736.
Arrhythmogenic right ventricular cardiomyopathy (ARVD). Also called: Arrhythmogenic right ventricular dysplasia; Cardiomyopathy, ARVC; Arrhythmogenic cardiomyopathy; Arrhythmogenic Right Ventricular Cardiomyopathy (ARVC). Identifiers: Orphanet 247, MedGen C0349788, MeSH D019571, MONDO:0016587. Disease mechanism: loss of function. Inheritance: Various modes of inheritance.
Cardiomyopathy (CMYO). Also called: Cardiomyopathies. Identifiers: Orphanet 167848, MedGen C0878544, MONDO:0004994, HP:0001638. Inheritance: Various modes of inheritance.
Hypertrichotic osteochondrodysplasia Cantu type. Also called: Cantu Syndrome; Cantú Syndrome. Identifiers: Orphanet 1517, MedGen C0795905, MONDO:0009406, OMIM 239850.
Dilated cardiomyopathy 1O (CMD1O). Also called: CARDIOMYOPATHY, DILATED, WITH VENTRICULAR TACHYCARDIA. Identifiers: Orphanet 154, MedGen C1837839, MONDO:0012062, OMIM 608569.

Allele frequency attached by ClinVar (database versions not stated): gnomAD 0.00039 and 0.00047; TOPMed 0.00039; 1000 Genomes Project 30x 0.00047; 1000 Genomes Project 0.00060; gnomAD exomes 0.00076 and 0.00084; ESP Exome Variant Server 0.00085; ExAC 0.00097.
gnomAD v4.1: 1,173 of 1,612,698 alleles (0.073%); highest among the groups gnomAD compares: South Asian, 0.34%; 5 homozygotes.

Submissions (19):

CeGaT Center for Human Genetics Tuebingen
Classification: Likely benign. Last evaluated: 2026-05-01. Review status: criteria provided, single submitter. Criteria: CeGaT Center For Human Genetics Tuebingen Variant Classification Criteria Version 2. Collection method: clinical testing. Allele origin: germline. Affected: yes. Observed: 2 variant alleles.
Comment: ABCC9: BS2

Labcorp Genetics (formerly Invitae), Labcorp
Classification: Likely benign for Dilated cardiomyopathy 1O. Last evaluated: 2026-01-26. Review status: criteria provided, single submitter. Criteria: Invitae Variant Classification Sherloc (09022015). Collection method: clinical testing. Allele origin: germline.

Mayo Clinic Laboratories, Mayo Clinic
Classification: Likely benign. Last evaluated: 2025-05-21. Review status: criteria provided, single submitter. Criteria: ACMG Guidelines, 2015. Collection method: clinical testing. Allele origin: germline. Observed: 2 variant alleles.
Comment: BS1, BP4

Blueprint Genetics
Classification: Likely benign. Last evaluated: 2024-10-25. Review status: criteria provided, single submitter. Criteria: ACMG Guidelines, 2015. Collection method: clinical testing. Allele origin: germline.

ARUP Laboratories, Molecular Genetics and Genomics, ARUP Laboratories
Classification: Likely benign. Last evaluated: 2023-08-21. Review status: criteria provided, single submitter. Criteria: ARUP Molecular Germline Variant Investigation Process 2024. Collection method: clinical testing. Allele origin: germline.

Women's Health and Genetics/Laboratory Corporation of America, LabCorp
Classification: Likely benign. Last evaluated: 2020-03-23. Review status: criteria provided, single submitter. Criteria: LabCorp Variant Classification Summary - May 2015. Collection method: clinical testing. Allele origin: germline.
Comment: Variant summary: ABCC9 c.2050G>A (p.Gly684Ser) results in a non-conservative amino acid change located in the ABC transporter-like of the encoded protein sequence. Three of five in-silico tools predict a benign effect of the variant on protein function. The variant allele was found at a frequency of 0.00084 in 250964 control chromosomes. The observed variant frequency is approximately 33.47 fold of the estimated maximal expected allele frequency for a pathogenic variant in ABCC9 causing Cardiomyopathy phenotype (2.5e-05), strongly suggesting that the variant is benign. c.2050G>A has been reported in the literature in individuals affected with DCM (Pugh_2014). This report does not provide unequivocal conclusions about association of the variant with Cardiomyopathy. To our knowledge, no experimental evidence demonstrating an impact on protein function has been reported. Five clinical diagnostic laboratories have submitted clinical-significance assessments for this variant to ClinVar after 2014 without evidence for independent evaluation. All laboratories classified the variant as likely benign. Based on the evidence outlined above, the variant was classified as likely benign.

Center for Advanced Laboratory Medicine, UC San Diego Health, University of California San Diego
Classification: Likely benign for Arrhythmogenic right ventricular cardiomyopathy. Last evaluated: 2019-03-25. Review status: criteria provided, single submitter. Criteria: ACMG Guidelines, 2015. Collection method: clinical testing. Allele origin: germline. Affected: yes. Observed: 1 variant allele.

Ambry Genetics
Classification: Likely benign for Cardiovascular phenotype. Last evaluated: 2018-05-30. Review status: criteria provided, single submitter. Criteria: Ambry Variant Classification Scheme 2023. Collection method: clinical testing. Allele origin: germline.

Illumina Laboratory Services, Illumina
Classification: Uncertain significance for Hypertrichotic osteochondrodysplasia Cantu type. Last evaluated: 2018-01-12. Review status: criteria provided, single submitter. Criteria: ICSL Variant Classification Criteria 13 December 2019. Collection method: clinical testing. Allele origin: germline.

Illumina Laboratory Services, Illumina
Classification: Uncertain significance for Dilated cardiomyopathy 1O. Last evaluated: 2018-01-12. Review status: criteria provided, single submitter. Criteria: ICSL Variant Classification Criteria 13 December 2019. Collection method: clinical testing. Allele origin: germline.

CHEO Genetics Diagnostic Laboratory, Children's Hospital of Eastern Ontario
Classification: Benign for Cardiomyopathy. Last evaluated: 2017-11-30. Review status: criteria provided, single submitter. Criteria: ACMG Guidelines, 2015. Collection method: clinical testing. Allele origin: germline.

Laboratory for Molecular Medicine, Mass General Brigham Personalized Medicine
Classification: Likely benign. Last evaluated: 2015-04-15. Review status: criteria provided, single submitter. Criteria: LMM Criteria. Collection method: clinical testing. Allele origin: germline. Observed: 4 variant alleles.
Comment: p.Gly684Ser in exon 15 of ABCC9: This variant is not expected to have clinical s ignificance because it has been identified in 0.3% (57/16406) of South Asian chr omosomes by the Exome Aggregation Consortium (ExAC, rg; dbSNP rs148174226).

Eurofins Ntd Llc (ga)
Classification: Likely benign. Last evaluated: 2015-01-14. Review status: criteria provided, single submitter. Criteria: EGL Classification Definitions 2015. Collection method: clinical testing. Allele origin: germline. Observed: 1 variant allele, 1 heterozygote.

Biesecker Lab/Clinical Genomics Section, National Institutes of Health
Classification: Likely benign. Last evaluated: 2013-06-24. Review status: criteria provided, single submitter. Criteria: Ng et al. (Circ Cardiovasc Genet. 2013). Collection method: research. Allele origin: unknown. Observed: 2 variant alleles. Study: ClinSeq.
Comment: The study set was not selected for affection status in relation to any cancer. Pathogenicity categories were based on literature curation. See Pubmed ID:23861362 for details.

Medical sequencing

PreventionGenetics, part of Exact Sciences
Classification: Likely benign for ABCC9-related condition. Last evaluated: 2020-01-23. Review status: no assertion criteria provided. Collection method: clinical testing. Allele origin: germline. Not counted in ClinVar's aggregate classification.
Comment: This variant is classified as likely benign based on ACMG/AMP sequence variant interpretation guidelines (Richards et al. 2015 PMID: 25741868, with internal and published modifications).

Clinical Genetics DNA and cytogenetics Diagnostics Lab, Erasmus MC, Erasmus Medical Center
Classification: Likely benign. Review status: no assertion criteria provided. Collection method: clinical testing. Allele origin: germline. Affected: yes. Study: VKGL Data-share Consensus. Not counted in ClinVar's aggregate classification.

Clinical Genetics, Academic Medical Center
Classification: Benign. Review status: no assertion criteria provided. Collection method: clinical testing. Allele origin: germline. Affected: yes. Study: VKGL Data-share Consensus. Not counted in ClinVar's aggregate classification.

Diagnostic Laboratory, Department of Genetics, University Medical Center Groningen
Classification: Likely benign. Review status: no assertion criteria provided. Collection method: clinical testing. Allele origin: germline. Affected: yes. Study: VKGL Data-share Consensus. Not counted in ClinVar's aggregate classification.

Genome Diagnostics Laboratory, University Medical Center Utrecht
Classification: Likely benign. Review status: no assertion criteria provided. Collection method: clinical testing. Allele origin: germline. Affected: yes. Study: VKGL Data-share Consensus. Not counted in ClinVar's aggregate classification.

Literature cited by the submitters: PubMed 24503780 (cited by Women's Health and Genetics/Laboratory Corporation of America, LabCorp).